The following is an entry in ClinVar:

NM_001943.5(DSG2):c.829-9G>A

Gene: DSG2 (desmoglein 2; plus strand). Cytogenetic location: 18q12.1.
Variant type: single nucleotide variant.
Coding change: c.829-9G>A on transcript NM_001943.5 (MANE Select); 9 bases into the intron before coding-DNA position 829, G replaced by A.
Molecular consequence: intron variant.
Genome position (GRCh38, 1-based): chr18:31,524,694, G>A. VCF-style: chr18-31524694-G-A. GRCh37 (hg19) VCF-style: chr18-29104657-G-A.
Identifiers: ClinVar variation 3070756 (VCV003070756.2), dbSNP rs764900970, ClinGen allele CA2564298980.

ClinVar aggregate classification (germline): Likely benign. Review status: criteria provided, multiple submitters, no conflicts (2 of 4 stars). 2 submissions from 2 submitters: Likely benign (2). Last evaluated 2023-08-15.

Conditions:
Cardiomyopathy (CMYO). Also called: Cardiomyopathies. Identifiers: Orphanet 167848, MedGen C0878544, MONDO:0004994, HP:0001638. Inheritance: Various modes of inheritance.
Arrhythmogenic right ventricular cardiomyopathy (ARVD). Also called: Arrhythmogenic right ventricular dysplasia; Cardiomyopathy, ARVC; Arrhythmogenic cardiomyopathy; Arrhythmogenic Right Ventricular Cardiomyopathy (ARVC). Identifiers: Orphanet 247, MedGen C0349788, MeSH D019571, MONDO:0016587. Disease mechanism: loss of function. Inheritance: Various modes of inheritance.

gnomAD v4.1: 1 of 1,614,094 alleles (0.000062%); highest among the groups gnomAD compares: Non-Finnish European, 0.000085%; no homozygotes.

Submissions (2):

All of Us Research Program, National Institutes of Health
Classification: Likely benign for Arrhythmogenic right ventricular cardiomyopathy. Last evaluated: 2023-08-15. Review status: criteria provided, single submitter. Criteria: ACMG Guidelines, 2015. Collection method: clinical testing. Allele origin: germline. Inheritance: Autosomal dominant inheritance. Observed: 2 variant alleles, 2 heterozygotes.
Comment: This study involves interpretation of variants in research participants for the purpose of population health screening. Participant phenotype was not available at the time of variant classification. Additional details can be found in publication PMID: 35346344, PMCID: PMC8962531

Color Diagnostics, LLC DBA Color Health
Classification: Likely benign for Cardiomyopathy. Last evaluated: 2023-04-24. Review status: criteria provided, single submitter. Criteria: ACMG Guidelines, 2015. Collection method: clinical testing. Allele origin: germline.